The following is an entry in ClinVar:

ClinVar aggregate classification (germline): Uncertain significance. Review status: criteria provided, multiple submitters, no conflicts (2 of 4 stars). 3 submissions from 3 submitters: Uncertain significance (3). Last evaluated 2025-12-08.

Conditions:
Inborn genetic diseases. Identifiers: MedGen C0950123, MeSH D030342.
Episodic ataxia type 6. Identifiers: Orphanet 209967, MedGen C2675211, MONDO:0012982, OMIM 612656.

Allele frequency attached by ClinVar (database versions not stated): gnomAD exomes below 0.00001.
gnomAD v4.1: 3 of 1,613,994 alleles (0.00019%); highest among the groups gnomAD compares: Admixed American, 0.0033%; no homozygotes.

Submissions (3):

Labcorp Genetics (formerly Invitae), Labcorp
Classification: Uncertain significance. Last evaluated: 2025-12-08. Review status: criteria provided, single submitter. Criteria: Invitae Variant Classification Sherloc (09022015). Collection method: clinical testing. Allele origin: germline.
Comment: This sequence change replaces glycine, which is neutral and non-polar, with arginine, which is basic and polar, at codon 308 of the SLC1A3 protein (p.Gly308Arg). This variant is present in population databases (no rsID available, gnomAD 0.006%). This variant has not been reported in the literature in individuals affected with SLC1A3-related conditions. ClinVar contains an entry for this variant (Variation ID: 1494878). Invitae Evidence Modeling of protein sequence and biophysical properties (such as structural, functional, and spatial information, amino acid conservation, physicochemical variation, residue mobility, and thermodynamic stability) indicates that this missense variant is not expected to disrupt SLC1A3 protein function with a negative predictive value of 80%. In summary, the available evidence is currently insufficient to determine the role of this variant in disease. Therefore, it has been classified as a Variant of Uncertain Significance.

Revvity Omics, Revvity
Classification: Uncertain significance for Episodic ataxia type 6. Last evaluated: 2023-09-23. Review status: criteria provided, single submitter. Criteria: ACMG Guidelines, 2015. Collection method: clinical testing. Allele origin: germline.

Ambry Genetics
Classification: Uncertain significance for Inborn genetic diseases. Last evaluated: 2021-05-24. Review status: criteria provided, single submitter. Criteria: Ambry Variant Classification Scheme 2023. Collection method: clinical testing. Allele origin: germline.

NM_004172.5(SLC1A3):c.922G>C (p.Gly308Arg)

Genes: SLC1A3-AS1 (SLC1A3 antisense RNA 1; minus strand), SLC1A3 (solute carrier family 1 member 3; plus strand). Cytogenetic location: 5p13.2.
Variant type: single nucleotide variant.
Coding change: c.922G>C on transcript NM_004172.5 (MANE Select); coding-DNA position 922, G replaced by C.
Protein change: p.Gly308Arg; replaces glycine 308 with arginine.
Molecular consequence: missense variant.
Genome position (GRCh38, 1-based): chr5:36,679,688, G>C. VCF-style: chr5-36679688-G-C. GRCh37 (hg19) VCF-style: chr5-36679790-G-C.
Other names: c.922G>C, p.Gly308Arg (NM_001166695.3); c.784G>C, p.Gly262Arg (NM_001289939.2); c.586G>C, p.Gly196Arg (NM_001289940.2); c.922G>C (NM_004172.4); short protein forms G262R, G196R, G308R.
Identifiers: ClinVar variation 1494878 (VCV001494878.8), dbSNP rs1290342061, ClinGen allele CA359480845.